The following is an entry in ClinVar:

ClinVar aggregate classification (germline): Uncertain significance. Review status: criteria provided, multiple submitters, no conflicts (2 of 4 stars). 2 submissions from 2 submitters: Uncertain significance (2). Last evaluated 2025-11-22.

Conditions:
Inborn genetic diseases. Identifiers: MedGen C0950123, MeSH D030342.

Allele frequency attached by ClinVar (database versions not stated): gnomAD exomes below 0.00001.
gnomAD v4.1: 3 of 1,614,020 alleles (0.00019%); highest among the groups gnomAD compares: East Asian, 0.0045%; no homozygotes.

Submissions (2):

Labcorp Genetics (formerly Invitae), Labcorp
Classification: Uncertain significance. Last evaluated: 2025-11-22. Review status: criteria provided, single submitter. Criteria: Invitae Variant Classification Sherloc (09022015). Collection method: clinical testing. Allele origin: germline.
Comment: This sequence change replaces glutamic acid, which is acidic and polar, with lysine, which is basic and polar, at codon 425 of the MBD4 protein (p.Glu425Lys). This variant is not present in population databases (gnomAD no frequency). This variant has not been reported in the literature in individuals affected with MBD4-related conditions. ClinVar contains an entry for this variant (Variation ID: 2709315). An algorithm developed to predict the effect of missense changes on protein structure and function (PolyPhen-2) suggests that this variant is likely to be disruptive. In summary, the available evidence is currently insufficient to determine the role of this variant in disease. Therefore, it has been classified as a Variant of Uncertain Significance.

Ambry Genetics
Classification: Uncertain significance for Inborn genetic diseases. Last evaluated: 2025-10-23. Review status: criteria provided, single submitter. Criteria: Ambry Variant Classification Scheme 2023. Collection method: clinical testing. Allele origin: germline.
Comment: The p.E419K variant (also known as c.1255G>A), located in coding exon 4 of the MBD4 gene, results from a G to A substitution at nucleotide position 1255. The glutamic acid at codon 419 is replaced by lysine, an amino acid with similar properties. This amino acid position is conserved. In addition, the in silico prediction for this alteration is inconclusive. Based on the available evidence, the clinical significance of this variant remains unclear.

NM_001276270.2(MBD4):c.1255G>A (p.Glu419Lys)

Gene: MBD4 (methyl-CpG binding domain 4, DNA glycosylase; minus strand). Cytogenetic location: 3q21.3.
Variant type: single nucleotide variant.
Coding change: c.1255G>A on transcript NM_001276270.2 (MANE Select); coding-DNA position 1255, G replaced by A.
Protein change: p.Glu419Lys; replaces glutamic acid 419 with lysine.
Molecular consequence: missense variant.
Genome position (GRCh38, 1-based): chr3:129,434,065, C>T on the plus strand (G>A on the coding strand, the complement: MBD4 is on the minus strand). VCF-style: chr3-129434065-C-T. GRCh37 (hg19) VCF-style: chr3-129152908-C-T.
Other names: c.1273G>A, p.Glu425Lys (NM_003925.3, NM_001276271.2, NM_001276272.2); c.319G>A, p.Glu107Lys (NM_001276273.2); short protein forms E107K, E425K, E419K.
Identifiers: ClinVar variation 2709315 (VCV002709315.4), dbSNP rs2072409115, ClinGen allele CA354466151.
Genomic context (GRCh38, chr3:129,434,065, plus strand): 5'-AGAATTGAAAACCCAAAATGGAATTAGAATTTGCTGTTCTGATTGGGAAAGGGATACCTT[C>T]TTTGTTATATTTGCTGGAAAAATACAGGCTTGTTTTCCTTCTTTCTATCTGTGTTCGTGG-3'
Protein context (NP_001263199.1, residues 409-429): SLYFSSKYNK[Glu419Lys]ALSPPRRKAF